The following is an entry in ClinVar:

ClinVar aggregate classification (germline): Pathogenic (1 of 4 stars; one submission).

Submission:

Labcorp Genetics (formerly Invitae), Labcorp
Classification: Pathogenic. Last evaluated: 2022-10-21. Review status: criteria provided, single submitter. Criteria: Invitae Variant Classification Sherloc (09022015). Collection method: clinical testing. Allele origin: germline.
Comment: For these reasons, this variant has been classified as Pathogenic. This variant has not been reported in the literature in individuals affected with NAA15-related conditions. This variant is a gross deletion of the genomic region encompassing exon(s) 5-6 of the NAA15 gene. This deletion is out-of-frame, and is expected to create a premature termination codon and result in an absent or disrupted protein product. Loss-of-function variants in NAA15 are known to be pathogenic (PMID: 28191889, 29656860).

Literature cited by the submitters: PubMed 28191889; PubMed 29656860.

NC_000004.11:g.(?_140263960)_(140265513_?)del

Gene: NAA15 (N-alpha-acetyltransferase 15, NatA auxiliary subunit; plus strand). Cytogenetic location: 4q31.1.
Variant type: Deletion.
Identifiers: ClinVar variation 2427166 (VCV002427166.4).